The following is an entry in ClinVar:

ClinVar aggregate classification (germline): Uncertain significance (1 of 4 stars; one submission).

Conditions:
Hereditary cancer-predisposing syndrome. Also called: Neoplastic Syndromes, Hereditary; Tumor predisposition; Hereditary neoplastic syndrome; Hereditary Cancer Syndrome. Identifiers: Orphanet 140162, MedGen C0027672, MeSH D009386, MONDO:0015356.

Submission:

Ambry Genetics
Classification: Uncertain significance for Hereditary cancer-predisposing syndrome. Last evaluated: 2025-04-05. Review status: criteria provided, single submitter. Criteria: Ambry Variant Classification Scheme 2023. Collection method: clinical testing. Allele origin: germline.
Comment: The p.E144G variant (also known as c.431A>G), located in coding exon 1 of the ALK gene, results from an A to G substitution at nucleotide position 431. The glutamic acid at codon 144 is replaced by glycine, an amino acid with similar properties. This amino acid position is conserved. In addition, this alteration is predicted to be deleterious by in silico analysis. Based on the available evidence, the clinical significance of this variant remains unclear.

NM_004304.5(ALK):c.431A>G (p.Glu144Gly)

Gene: ALK (ALK receptor tyrosine kinase; minus strand). Cytogenetic location: 2p23.1.
Variant type: single nucleotide variant.
Coding change: c.431A>G on transcript NM_004304.5 (MANE Select); coding-DNA position 431, A replaced by G.
Protein change: p.Glu144Gly; replaces glutamic acid 144 with glycine.
Molecular consequence: missense variant.
Genome position (GRCh38, 1-based): chr2:29,920,229, T>C on the plus strand (A>G on the coding strand, the complement: ALK is on the minus strand). VCF-style: chr2-29920229-T-C. GRCh37 (hg19) VCF-style: chr2-30143095-T-C.
Other names: short protein forms E144G.
Identifiers: ClinVar variation 4040538 (VCV004040538.1).